The following is an entry in ClinVar:

ClinVar aggregate classification (germline): Likely pathogenic (1 of 4 stars; one submission).

Conditions:
Primary ciliary dyskinesia 32. Also called: CILIARY DYSKINESIA, PRIMARY, 32, WITHOUT SITUS INVERSUS. Identifiers: Orphanet 244, MedGen C4225311, MONDO:0014657, OMIM 616481.

Submission:

3billion
Classification: Likely pathogenic for Primary ciliary dyskinesia 32. Last evaluated: 2022-03-22. Review status: criteria provided, single submitter. Criteria: ACMG Guidelines, 2015. Collection method: clinical testing. Allele origin: germline. Affected: yes. Observed: 1 homozygote.
Comment: Canonical splice site: predicted to alter splicing and result in a loss or disruption of normal protein function through nonsense-mediated decay (NMD) or protein truncation. Multiple pathogenic variants are reported downstream of the variant.It is not observed in the gnomAD v2.1.1 dataset. Therefore, this variant is classified as likely pathogenic according to the recommendation of ACMG/AMP guideline.

NM_031924.8(RSPH3):c.346+1G>T

Gene: RSPH3 (radial spoke head 3; minus strand). Cytogenetic location: 6q25.3.
Variant type: single nucleotide variant.
Coding change: c.346+1G>T on transcript NM_031924.8 (MANE Select); the canonical splice donor site of the intron after coding-DNA position 346, G replaced by T.
Molecular consequence: splice donor variant. On other transcripts: intron variant (1).
Genome position (GRCh38, 1-based): chr6:158,986,279, C>A on the plus strand (G>T on the coding strand, the complement: RSPH3 is on the minus strand). VCF-style: chr6-158986279-C-A. GRCh37 (hg19) VCF-style: chr6-159407311-C-A.
Other names: c.631-3591G>T (NM_001346418.1).
Identifiers: ClinVar variation 1526208 (VCV001526208.1), dbSNP rs2128607933, ClinGen allele CA366282387.